The following is an entry in ClinVar:

ClinVar aggregate classification (germline): Pathogenic (1 of 4 stars; one submission).

Conditions:
Kabuki syndrome. Also called: NIIKAWA-KUROKI SYNDROME; Kabuki make-up syndrome. Identifiers: Orphanet 2322, MedGen C0796004, MONDO:0016512.

Submission:

Labcorp Genetics (formerly Invitae), Labcorp
Classification: Pathogenic for Kabuki syndrome. Last evaluated: 2019-02-08. Review status: criteria provided, single submitter. Criteria: Invitae Variant Classification Sherloc (09022015). Collection method: clinical testing. Allele origin: germline.
Comment: This sequence change creates a premature translational stop signal (p.Gln3923Hisfs*56) in the KMT2D gene. It is expected to result in an absent or disrupted protein product. This variant is not present in population databases (ExAC no frequency). This variant has not been reported in the literature in individuals with KMT2D-related conditions. Loss-of-function variants in KMT2D are known to be pathogenic (PMID: 22126750). For these reasons, this variant has been classified as Pathogenic.

Literature cited by the submitters: PubMed 22126750.

NM_003482.4(KMT2D):c.11769del (p.Gln3923fs)

Gene: KMT2D (lysine methyltransferase 2D; minus strand). Cytogenetic location: 12q13.12.
Variant type: Deletion.
Coding change: c.11769del on transcript NM_003482.4 (MANE Select); coding-DNA position 11769, one base deleted (A; older notation c.11769delA).
Protein change: p.Gln3923fs; shifts the reading frame from glutamine 3923.
Molecular consequence: frameshift variant.
Genome position (GRCh38, 1-based): chr12:49,032,936, T deleted on the plus strand (A on the coding strand, the reverse complement: KMT2D is on the minus strand); the first of 2 consecutive T bases (chr12:49,032,936-49,032,937); deleting either gives the same sequence. VCF-style (leftmost placement, unchanged base first): chr12-49032935-GT-G. GRCh37 (hg19) VCF-style: chr12-49426718-GT-G.
Other names: short protein forms Q3923fs.
Identifiers: ClinVar variation 856284 (VCV000856284.3), dbSNP rs1943016958, ClinGen allele CA916083309.
Genomic context (GRCh38, chr12:49,032,935, plus strand): 5'-GCTGTTGTTGAAGCTGCTGCTGCTGTTGCTGCTGTTGAAGCTGTTGCTGCTGAAGTTGCT[GT>G]TGCTGTTGTAGCTGCTGCTGCTGCTGCTGCTGAAGTTGCTGTTGCTGTTGCAGCTGCTGC-3'